The following is an entry in ClinVar:

NM_021625.5(TRPV4):c.2289C>T (p.Thr763=)

Gene: TRPV4 (transient receptor potential cation channel subfamily V member 4; minus strand). Cytogenetic location: 12q24.11.
Variant type: single nucleotide variant.
Coding change: c.2289C>T on transcript NM_021625.5 (MANE Select); coding-DNA position 2289, C replaced by T.
Protein change: p.Thr763=; no amino-acid change (threonine 763 retained).
Molecular consequence: synonymous variant.
Genome position (GRCh38, 1-based): chr12:109,786,757, G>A on the plus strand (C>T on the coding strand, the complement: TRPV4 is on the minus strand). VCF-style: chr12-109786757-G-A. GRCh37 (hg19) VCF-style: chr12-110224562-G-A.
Other names: c.2148C>T, p.Thr716= (NM_001177428.2); c.2187C>T, p.Thr729= (NM_001177431.2); c.1968C>T, p.Thr656= (NM_001177433.2); c.2109C>T, p.Thr703= (NM_147204.3).
Identifiers: ClinVar variation 469041 (VCV000469041.20), dbSNP rs202036871, ClinGen allele CA6779972.
Genomic context (GRCh38, chr12:109,786,757, plus strand): 5'-GCCCCAGCCTCACCTGAAGCACCACCTGCGGTCAGGAGTGCCGTCCGAGCTCTTGCCCAC[G>A]GTGACCATCTCCCCAGAGCGGAAGGCCTTCCTCAGGAATACGGGGAAGGAGCGCTCAATG-3'
Protein context (NP_067638.3, residues 753-773): RKAFRSGEMV[Thr763=]VGKSSDGTPD

ClinVar aggregate classification (germline): Benign/Likely benign. Review status: criteria provided, multiple submitters, no conflicts (2 of 4 stars). 10 submissions from 5 submitters: Benign (7); Likely benign (3). Last evaluated 2025-06-16.

Conditions:
Scapuloperoneal spinal muscular atrophy (SPSMA). Also called: Scapuloperoneal spinal muscular atrophy, autosomal dominant; Scapuloperoneal Spinal Muscular Atrophy, TRPV4-Related; Scapuloperoneal Form of Spinal Muscular Atrophy; AMYOTROPHY, NEUROGENIC SCAPULOPERONEAL, NEW ENGLAND TYPE. Identifiers: Orphanet 431255, MedGen C0751335, MONDO:0008408, OMIM 181405.
Charcot-Marie-Tooth disease axonal type 2C (HMSN2C). Also called: CHARCOT-MARIE-TOOTH DISEASE, AXONAL, AUTOSOMAL DOMINANT, TYPE 2C; Charcot-Marie-Tooth Neuropathy Type 2C; Charcot-Marie-Tooth Disease Type 2, TRPV4-Related (CMT2C). Identifiers: Orphanet 99937, MedGen C1853710, MONDO:0011633, OMIM 606071.
Metatropic dysplasia (MTD). Also called: METATROPIC DWARFISM; Metatropic Dysplasia, TRPV4-Related; Metatropic dysplasia, nonlethal dominant. Identifiers: Orphanet 2635, MedGen C0265281, MONDO:0007986, OMIM 156530.
Inborn genetic diseases. Identifiers: MedGen C0950123, MeSH D030342.
Neuronopathy, distal hereditary motor, autosomal dominant 8. Also called: Autosomal dominant congenital benign spinal muscular atrophy; SPINAL MUSCULAR ATROPHY, CONGENITAL BENIGN, WITH CONTRACTURES; NEURONOPATHY, DISTAL HEREDITARY MOTOR, TYPE VIII; NEUROPATHY, DISTAL HEREDITARY MOTOR, TYPE VIII. Identifiers: Orphanet 1216, MedGen C1838492, MONDO:0010839, OMIM 600175.
Brachyrachia (short spine dysplasia) (BCYM3). Also called: Autosomal dominant brachyolmia; BRACHYRACHIA; Brachyolmia, TRPV4-Related; Brachyolmia Type 3. Identifiers: Orphanet 93304, MedGen C0432227, MONDO:0007232, OMIM 113500.
Spondylometaphyseal dysplasia, Kozlowski type (SMDK). Also called: Dysmorphism arthrogryposis skeletal maturation advanced; Jequier-Kozlowski syndrome; Skeletal dysplasia Jequier-Kozlowski type; SMD Kozlowski type; Spondylometaphyseal Dysplasia, TRPV4-Related (Kozlowski Type). Identifiers: Orphanet 93314, MedGen C0265280, MONDO:0008477, OMIM 184252.

Allele frequency attached by ClinVar (database versions not stated): TOPMed 0.00004; gnomAD 0.00018 and 0.00019; 1000 Genomes Project 30x 0.00031; 1000 Genomes Project 0.00040; gnomAD exomes 0.00041; ExAC 0.00052.
gnomAD v4.1: 243 of 1,613,928 alleles (0.015%); highest among the groups gnomAD compares: Non-Finnish European, 0.007%; 2 homozygotes.

Submissions (10):

Labcorp Genetics (formerly Invitae), Labcorp
Classification: Benign for Charcot-Marie-Tooth disease axonal type 2C. Last evaluated: 2025-06-16. Review status: criteria provided, single submitter. Criteria: Invitae Variant Classification Sherloc (09022015). Collection method: clinical testing. Allele origin: germline.

Blueprint Genetics
Classification: Likely benign. Last evaluated: 2024-11-11. Review status: criteria provided, single submitter. Criteria: ACMG Guidelines, 2015. Collection method: clinical testing. Allele origin: germline.

Ambry Genetics
Classification: Likely benign for Inborn genetic diseases. Last evaluated: 2019-07-11. Review status: criteria provided, single submitter. Criteria: Ambry Variant Classification Scheme 2023. Collection method: clinical testing. Allele origin: germline.

Illumina Laboratory Services, Illumina
Classification: Benign for Spondylometaphyseal dysplasia, Kozlowski type. Last evaluated: 2018-01-12. Review status: criteria provided, single submitter. Criteria: ICSL Variant Classification Criteria 13 December 2019. Collection method: clinical testing. Allele origin: germline.
Comment: This variant was observed in the ICSL laboratory as part of a predisposition screen in an ostensibly healthy population. It had not been previously curated by ICSL or reported in the Human Gene Mutation Database (HGMD: prior to June 1st, 2018), and was therefore a candidate for classification through an automated scoring system. Utilizing variant allele frequency, disease prevalence and penetrance estimates, and inheritance mode, an automated score was calculated to assess if this variant is too frequent to cause the disease. Based on the score and internal cut-off values, a variant classified as benign is not then subjected to further curation. The score for this variant resulted in a classification of benign for this disease.

Illumina Laboratory Services, Illumina
Classification: Benign for Scapuloperoneal spinal muscular atrophy. Last evaluated: 2018-01-12. Review status: criteria provided, single submitter. Criteria: ICSL Variant Classification Criteria 13 December 2019. Collection method: clinical testing. Allele origin: germline.
Comment: the same text as in the submission from Illumina Laboratory Services, Illumina above.

Illumina Laboratory Services, Illumina
Classification: Benign for Neuronopathy, distal hereditary motor, autosomal dominant 8. Last evaluated: 2018-01-12. Review status: criteria provided, single submitter. Criteria: ICSL Variant Classification Criteria 13 December 2019. Collection method: clinical testing. Allele origin: germline.
Comment: the same text as in the submission from Illumina Laboratory Services, Illumina above.

Illumina Laboratory Services, Illumina
Classification: Benign for Metatropic dysplasia. Last evaluated: 2018-01-12. Review status: criteria provided, single submitter. Criteria: ICSL Variant Classification Criteria 13 December 2019. Collection method: clinical testing. Allele origin: germline.
Comment: the same text as in the submission from Illumina Laboratory Services, Illumina above.

Illumina Laboratory Services, Illumina
Classification: Likely benign for Charcot-Marie-Tooth disease axonal type 2C. Last evaluated: 2018-01-12. Review status: criteria provided, single submitter. Criteria: ICSL Variant Classification Criteria 13 December 2019. Collection method: clinical testing. Allele origin: germline.
Comment: This variant was observed in the ICSL laboratory as part of a predisposition screen in an ostensibly healthy population. It had not been previously curated by ICSL or reported in the Human Gene Mutation Database (HGMD: prior to June 1st, 2018), and was therefore a candidate for classification through an automated scoring system. Utilizing variant allele frequency, disease prevalence and penetrance estimates, and inheritance mode, an automated score was calculated to assess if this variant is too frequent to cause the disease. Based on the score and internal cut-off values, a variant classified as likely benign is not then subjected to further curation. The score for this variant resulted in a classification of likely benign for this disease.

Illumina Laboratory Services, Illumina
Classification: Benign for Brachyrachia (short spine dysplasia). Last evaluated: 2018-01-12. Review status: criteria provided, single submitter. Criteria: ICSL Variant Classification Criteria 13 December 2019. Collection method: clinical testing. Allele origin: germline.
Comment: the same text as in the submission from Illumina Laboratory Services, Illumina above.

Eurofins Ntd Llc (ga)
Classification: Benign. Last evaluated: 2017-09-07. Review status: criteria provided, single submitter. Criteria: EGL Classification Definitions 2015. Collection method: clinical testing. Allele origin: germline. Observed: 1 variant allele, 1 heterozygote.